The following is an entry in ClinVar:

ClinVar aggregate classification (germline): Likely benign. Review status: reviewed by expert panel (3 of 4 stars). 3 submissions from 3 submitters: Likely benign (1). 2 of the submissions do not count toward it. Last evaluated 2024-07-29.

Conditions:
T-cell immunodeficiency, congenital alopecia, and nail dystrophy. Also called: Congenital alopecia and nail dystrophy associated with severe functional T-cell immunodeficiency; Pignata Guarino syndrome. Identifiers: Orphanet 169095, MedGen C1866426, MONDO:0011132, OMIM 601705.
FOXN1-related disorder. Also called: FOXN1-related condition.

Allele frequency attached by ClinVar (database versions not stated): gnomAD exomes 0.00008 and 0.00030; gnomAD 0.00009 and 0.00012; TOPMed 0.00011; ExAC 0.00032; 1000 Genomes Project 30x 0.00094; 1000 Genomes Project 0.00100.
gnomAD v4.1: 130 of 1,614,028 alleles (0.0081%); highest among the groups gnomAD compares: East Asian, 0.27%; no homozygotes.

Submissions (3):

ClinGen Severe Combined Immunodeficiency Variant Curation Expert Panel, ClinGen
Classification: Likely benign for T-cell immunodeficiency, congenital alopecia, and nail dystrophy. Last evaluated: 2024-07-29. Review status: reviewed by expert panel. Criteria: ClinGen SCID ACMG Specifications FOXN1 V1.0.0. Collection method: curation. Allele origin: germline. Inheritance: Semidominant inheritance.
Comment: The NM_001369369.1(FOXN1):c.1664C>T (p.Ala555Val) missense variant has a gnomADv2.1.1 PopMax filtering AF of 0.003187 based on 77/19952 alleles in the East Asian population, which is above the >0.00141 threshold for BS1. No deleterious effect is predicted with a REVEL score of 0.197 meeting the threshold of <0.290 for BP4. Additionally, no splicing effect is predicted by SpliceAI (delta score 0.00). After a comprehensive literature search, the variant has not been identified in any individuals with T-cell immunodeficiency, congenital alopecia, and nail dystrophy. In summary, this variant meets criteria to be classified as likely benign for semidominant T-cell immunodeficiency, congenital alopecia, and nail dystrophy based on the ACMG/AMP criteria applied, as specified by the ClinGen SCID VCEP: BS1, BP4.

Labcorp Genetics (formerly Invitae), Labcorp
Classification: Benign for T-cell immunodeficiency, congenital alopecia, and nail dystrophy. Last evaluated: 2026-02-01. Review status: criteria provided, single submitter. Criteria: Invitae Variant Classification Sherloc (09022015). Collection method: clinical testing. Allele origin: germline. Not counted in ClinVar's aggregate classification.

PreventionGenetics, part of Exact Sciences
Classification: Likely benign for FOXN1-related condition. Last evaluated: 2025-01-28. Review status: criteria provided, single submitter. Criteria: ACMG Guidelines, 2015. Collection method: clinical testing. Allele origin: germline. Not counted in ClinVar's aggregate classification.
Comment: This variant is classified as likely benign based on ACMG/AMP sequence variant interpretation guidelines (Richards et al. 2015 PMID: 25741868, with internal and published modifications).

NM_001369369.1(FOXN1):c.1664C>T (p.Ala555Val)

Gene: FOXN1 (forkhead box N1; plus strand). Cytogenetic location: 17q11.2.
Variant type: single nucleotide variant.
Coding change: c.1664C>T on transcript NM_001369369.1 (MANE Select); coding-DNA position 1664, C replaced by T.
Protein change: p.Ala555Val; replaces alanine 555 with valine.
Molecular consequence: missense variant.
Genome position (GRCh38, 1-based): chr17:28,537,153, C>T. VCF-style: chr17-28537153-C-T. GRCh37 (hg19) VCF-style: chr17-26864171-C-T.
Other names: NM_001369369.1(FOXN1):c.1664C>T; p.Ala555Val; c.1664C>T (NM_003593.2); c.1664C>T, p.Ala555Val (NM_003593.3); short protein forms A555V.
Identifiers: ClinVar variation 1170282 (VCV001170282.9), dbSNP rs187814037, ClinGen allele CA8459596.